The following is an entry in ClinVar:

ClinVar aggregate classification (germline): Pathogenic. Review status: reviewed by expert panel (3 of 4 stars). 5 submissions from 5 submitters: Pathogenic (1). 4 of the submissions do not count toward it. Last evaluated 2025-06-18.

Conditions:
Autosomal recessive limb-girdle muscular dystrophy. Identifiers: Orphanet 102015, MedGen C2931907, MONDO:0015152.
DYSF-related disorder. Also called: DYSF-related condition; DYSF-related disorders.

Allele frequency attached by ClinVar (database versions not stated): gnomAD exomes 0.00001.
gnomAD v4.1: 14 of 1,613,916 alleles (0.00087%); highest among the groups gnomAD compares: Non-Finnish European, 0.0011%; no homozygotes.

Submissions (5):

ClinGen Limb Girdle Muscular Dystrophy Variant Curation Expert Panel, ClinGen
Classification: Pathogenic for Autosomal recessive limb-girdle muscular dystrophy. Last evaluated: 2025-06-18. Review status: reviewed by expert panel. Criteria: ClinGen LGMD VCEP ACMG Specifications DYSF V1.0.0. Collection method: curation. Allele origin: germline. Inheritance: Autosomal recessive inheritance.
Comment: The NM_003494.4: c.1053+5G>A variant in DYSF, which is also known as NM_001130987.2: c.1149+5G>A, occurs within the splice donor motif of intron 11. A mini-gene assay has demonstrated that this variant results in skipping of exon 11, causing a frameshift and premature truncation and leading to nonsense mediated decay in a gene in which loss of function is an established disease mechanism (PMID: 25312915; PVS1_RNA). This variant has been observed in at least two individuals with clinical features consistent with LGMD (PMID: 18396043, ClinVar SCV000710095.1 internal data communication), including in trans with a likely pathogenic or pathogenic variant (NM_003494.4: c.1668_1669insGTT p.(Leu556_Leu557insVal), 1.0 pt, ClinVar SCV000710095.1 internal data communication; PM3). At least one patient with this variant displayed progressive limb girdle muscle weakness and severely reduced or absent dysferlin protein expression, which is highly specific for DYSF-associated LGMD (ClinVar SCV000710095.1 internal data communication; PP4_Strong). The filtering allele frequency of this variant is 0.00001859 (the upper threshold of the 95% CI of 13/1111832 European (non-Finnish) exome chromosomes) in gnomAD v4.1.0, which is less than the ClinGen LGMD VCEP threshold (≤0.0001) (PM2_Supporting). In summary, this variant meets the criteria to be classified as Pathogenic for autosomal recessive limb girdle muscular dystrophy based on the ACMG/AMP criteria applied, as specified by the ClinGen LGMD VCEP (LGMD VCEP specifications version 1.0.0; 06/18/2025): PVS1_RNA, PM3, PP4_Strong, PM2_Supporting.

GeneDx
Classification: Pathogenic. Last evaluated: 2023-10-13. Review status: criteria provided, single submitter. Criteria: GeneDx Variant Classification Process June 2021. Collection method: clinical testing. Allele origin: germline. Affected: yes. Not counted in ClinVar's aggregate classification.
Comment: Non-canonical splice site variant demonstrated to result in loss of function (Kergourlay et al., 2014); Observed in a patient with gradual onset of stiffness in the trunk and upper legs (Klinge et al., 2008); Not observed at significant frequency in large population cohorts (gnomAD); This variant is associated with the following publications: (PMID: 25525159, 22213072, 19528035, 18396043, 25312915)

Women's Health and Genetics/Laboratory Corporation of America, LabCorp
Classification: Likely pathogenic for Autosomal recessive limb-girdle muscular dystrophy. Last evaluated: 2023-08-18. Review status: criteria provided, single submitter. Criteria: LabCorp Variant Classification Summary - May 2015. Collection method: clinical testing. Allele origin: germline. Not counted in ClinVar's aggregate classification.
Comment: Variant summary: DYSF c.1053+5G>A alters a conserved nucleotide located close to a canonical splice site and therefore could affect mRNA splicing, leading to a significantly altered protein sequence. Several computational tools predict a significant impact on normal splicing: Four predict the variant abolishes a 5 canonical splicing donor site. At least one publication reports experimental evidence that this variant affects mRNA splicing by skipping Exon 11 using a mini-gene system in HEK293T cells (Kergourlay_2014). The variant was absent in 251424 control chromosomes. c.1053+5G>A has been reported in the literature at a compound heterozygous state along with apparently pathogenic variants in at-least two individuals affected with autosomal recessive Miyoshi Myopathy and Distal Anterior Compartment Myopathy (examples, Klinge_2008 and 2010) or Miyoshi muscular dystrophy (Blandin_2012 via UMD-DYSF database), respectively. These data indicate that the variant is likely associated with DYSF-associated diseases including Autosomal Recessive Limb-Girdle Muscular Dystrophy. The following publications have been ascertained in the context of this evaluation (PMID: 22213072, 25312915, 19528035, 18396043). Two submitters have cited clinical-significance assessments for this variant to ClinVar after 2014 (Pathogenic, n=1; likely pathogenic, n=1). Based on the evidence outlined above, the variant was classified as likely pathogenic.

Blueprint Genetics
Classification: Likely pathogenic for DYSF-related disorders. Last evaluated: 2023-06-15. Review status: criteria provided, single submitter. Criteria: ACMG Guidelines, 2015. Collection method: clinical testing. Allele origin: germline. Affected: yes. Observed: 1 variant allele. Not counted in ClinVar's aggregate classification.

Revvity Omics, Revvity
Classification: Likely pathogenic. Last evaluated: 2019-11-25. Review status: criteria provided, single submitter. Criteria: ACMG Guidelines, 2015. Collection method: clinical testing. Allele origin: germline. Not counted in ClinVar's aggregate classification.

Literature cited by the submitters: PubMed 25312915 (cited by Women's Health and Genetics/Laboratory Corporation of America, LabCorp); PubMed 22213072 (cited by Women's Health and Genetics/Laboratory Corporation of America, LabCorp); PubMed 19528035 (cited by Women's Health and Genetics/Laboratory Corporation of America, LabCorp); PubMed 18396043 (cited by Women's Health and Genetics/Laboratory Corporation of America, LabCorp).

NM_001130987.2(DYSF):c.1149+5G>A

Gene: DYSF (dysferlin; plus strand). Cytogenetic location: 2p13.2.
Variant type: single nucleotide variant.
Coding change: c.1149+5G>A on transcript NM_001130987.2 (MANE Select); 5 bases into the intron after coding-DNA position 1149, G replaced by A.
Molecular consequence: intron variant.
Genome position (GRCh38, 1-based): chr2:71,520,909, G>A. VCF-style: chr2-71520909-G-A. GRCh37 (hg19) VCF-style: chr2-71748039-G-A.
Other names: c.1146+5G>A (NM_001130979.2, NM_001130981.2, NM_001130980.2); c.1053+5G>A (NM_001130978.2, NM_003494.4, NM_001130977.2 and 1 more transcripts); c.1149+5G>A (NM_001130982.2, NM_001130985.2); c.1056+5G>A (NM_001130983.2, NM_001130455.2, NM_001130984.2 and 1 more transcripts).
Identifiers: ClinVar variation 488834 (VCV000488834.11), dbSNP rs1023002894, ClinGen allele CA49763127.